The following is an entry in ClinVar:

NM_001122764.3(PPOX):c.-246G>T

Gene: PPOX (protoporphyrinogen oxidase; plus strand). Cytogenetic location: 1q23.3.
Variant type: single nucleotide variant.
Coding change: c.-246G>T on transcript NM_001122764.3 (MANE Select); 246 bases upstream of the start codon, G replaced by T.
Molecular consequence: 5 prime UTR variant.
Genome position (GRCh38, 1-based): chr1:161,166,435, G>T. VCF-style: chr1-161166435-G-T. GRCh37 (hg19) VCF-style: chr1-161136225-G-T.
Other names: c.-185G>T (NM_000309.5); c.-246G>T (NM_001350128.2, NM_001365399.1); c.-673G>T (NM_001350129.2); c.-764G>T (NM_001350130.2); c.-589G>T (NM_001350131.2); c.-496G>T (NM_001365400.1); c.-555G>T (NM_001365401.1).
Identifiers: ClinVar variation 293239 (VCV000293239.42), dbSNP rs114493458, ClinGen allele CA10608138.

ClinVar aggregate classification (germline): Conflicting classifications of pathogenicity. Review status: criteria provided, conflicting classifications (1 of 4 stars). 5 submissions from 5 submitters: Uncertain significance (1); Benign (1); Likely benign (3). Last evaluated 2026-07-01.

Conditions:
PPOX-related disorder. Also called: PPOX-related condition.
Variegate porphyria (VP). Also called: PORPHYRIA, SOUTH AFRICAN TYPE; PROTOPORPHYRINOGEN OXIDASE DEFICIENCY; PPOX DEFICIENCY. Identifiers: Orphanet 79473, MedGen C0162532, MONDO:0008297, OMIM 176200.

Allele frequency attached by ClinVar (database versions not stated): 1000 Genomes Project 0.00060; 1000 Genomes Project 30x 0.00094; gnomAD 0.00229; TOPMed 0.00288.
gnomAD v4.1: 5,118 of 1,185,956 alleles (0.43%); highest among the groups gnomAD compares: Non-Finnish European, 0.51%; 17 homozygotes.

Submissions (5):

CeGaT Center for Human Genetics Tuebingen
Classification: Likely benign. Last evaluated: 2026-07-01. Review status: criteria provided, single submitter. Criteria: CeGaT Center For Human Genetics Tuebingen Variant Classification Criteria Version 2. Collection method: clinical testing. Allele origin: germline. Affected: yes. Observed: 4 variant alleles.
Comment: PPOX: BP4, BS2

Revvity Omics, Revvity
Classification: Likely benign. Last evaluated: 2025-07-04. Review status: criteria provided, single submitter. Criteria: ACMG Guidelines, 2015. Collection method: clinical testing. Allele origin: germline.

PreventionGenetics, part of Exact Sciences
Classification: Likely benign for PPOX-related condition. Last evaluated: 2024-12-06. Review status: criteria provided, single submitter. Criteria: ACMG Guidelines, 2015. Collection method: clinical testing. Allele origin: germline.
Comment: This variant is classified as likely benign based on ACMG/AMP sequence variant interpretation guidelines (Richards et al. 2015 PMID: 25741868, with internal and published modifications).

Labcorp Genetics (formerly Invitae), Labcorp
Classification: Benign. Last evaluated: 2020-03-08. Review status: criteria provided, single submitter. Criteria: Invitae Variant Classification Sherloc (09022015). Collection method: clinical testing. Allele origin: germline.

Illumina Laboratory Services, Illumina
Classification: Uncertain significance for Variegate porphyria. Last evaluated: 2018-01-12. Review status: criteria provided, single submitter. Criteria: ICSL Variant Classification Criteria 13 December 2019. Collection method: clinical testing. Allele origin: germline.